The following is an entry in ClinVar:

ClinVar aggregate classification (germline): Uncertain significance (1 of 4 stars; one submission).

Submission:

Labcorp Genetics (formerly Invitae), Labcorp
Classification: Uncertain significance. Last evaluated: 2021-04-16. Review status: criteria provided, single submitter. Criteria: Invitae Variant Classification Sherloc (09022015). Collection method: clinical testing. Allele origin: germline.
Comment: In summary, the available evidence is currently insufficient to determine the role of this variant in disease. Therefore, it has been classified as a Variant of Uncertain Significance. Algorithms developed to predict the effect of missense changes on protein structure and function are either unavailable or do not agree on the potential impact of this missense change (SIFT: "Not Available"; PolyPhen-2: "Possibly Damaging"; Align-GVGD: "Not Available"). This variant has not been reported in the literature in individuals with NTHL1-related conditions. This variant is not present in population databases (ExAC no frequency). This sequence change replaces tyrosine with histidine at codon 200 of the NTHL1 protein (p.Tyr200His). The tyrosine residue is moderately conserved and there is a moderate physicochemical difference between tyrosine and histidine.

NM_002528.7(NTHL1):c.574T>C (p.Tyr192His)

Gene: NTHL1 (nth like DNA glycosylase 1; minus strand). Cytogenetic location: 16p13.3.
Variant type: single nucleotide variant.
Coding change: c.574T>C on transcript NM_002528.7 (MANE Select); coding-DNA position 574, T replaced by C.
Protein change: p.Tyr192His; replaces tyrosine 192 with histidine.
Molecular consequence: missense variant.
Genome position (GRCh38, 1-based): chr16:2,043,678, A>G on the plus strand (T>C on the coding strand, the complement: NTHL1 is on the minus strand). VCF-style: chr16-2043678-A-G. GRCh37 (hg19) VCF-style: chr16-2093679-A-G.
Other names: c.403T>C, p.Tyr135His (NM_001318193.2); c.244T>C, p.Tyr82His (NM_001318194.2); short protein forms Y135H, Y192H, Y82H.
Identifiers: ClinVar variation 1345674 (VCV001345674.6), dbSNP rs2084300211, ClinGen allele CA394291983.